The following is an entry in ClinVar:

ClinVar aggregate classification (germline): Benign. Review status: criteria provided, multiple submitters, no conflicts (2 of 4 stars). 5 submissions from 5 submitters: Benign (4). 1 of the submissions does not count toward it. Last evaluated 2021-07-14.

Conditions:
Distal arthrogryposis type 2B1 (DA2B1). Also called: Arthrogryposis multiplex congenita distal type II with craniofacial abnormalities. Identifiers: Orphanet 1147, MedGen C5193014, MONDO:0020820, OMIM 601680.

Allele frequency attached by ClinVar (database versions not stated): 1000 Genomes Project 0.13458; 1000 Genomes Project 30x 0.13523; TOPMed 0.16939; gnomAD 0.17441 and 0.17457; ESP Exome Variant Server 0.18447; ExAC 0.18577.

Submissions (5):

Genome-Nilou Lab
Classification: Benign for Distal arthrogryposis type 2B1. Last evaluated: 2021-07-14. Review status: criteria provided, single submitter. Criteria: ACMG Guidelines, 2015. Collection method: clinical testing. Allele origin: germline. Affected: no.

GeneDx
Classification: Benign. Last evaluated: 2018-06-26. Review status: criteria provided, single submitter. Criteria: GeneDx Variant Classification Process June 2021. Collection method: clinical testing. Allele origin: germline. Affected: yes.

Breakthrough Genomics
Classification: Benign. Review status: criteria provided, single submitter. Criteria: ACMG Guidelines, 2015. Collection method: not provided. Allele origin: germline. Inheritance: Autosomal dominant inheritance. Affected: yes.

PreventionGenetics, part of Exact Sciences
Classification: Benign. Review status: criteria provided, single submitter. Criteria: ACMG Guidelines, 2015. Collection method: clinical testing. Allele origin: germline.

TNNI2 homepage - Leiden Muscular Dystrophy pages
No classification provided. Review status: no classification provided. Collection method: not provided. Allele origin: germline. Not counted in ClinVar's aggregate classification.
Comment: no known functional consequence

NM_003282.4(TNNI2):c.186+26G>A

Gene: TNNI2 (troponin I2, fast skeletal type; plus strand). Cytogenetic location: 11p15.5.
Variant type: single nucleotide variant.
Coding change: c.186+26G>A on transcript NM_003282.4 (MANE Select); 26 bases into the intron after coding-DNA position 186, G replaced by A.
Molecular consequence: intron variant.
Genome position (GRCh38, 1-based): chr11:1,840,682, G>A. VCF-style: chr11-1840682-G-A. GRCh37 (hg19) VCF-style: chr11-1861912-G-A.
Other names: c.186+26G>A (NM_001145829.2, NM_001145841.2).
Identifiers: ClinVar variation 140483 (VCV000140483.8), dbSNP rs2271441, ClinGen allele CA232620.
Genomic context (GRCh38, chr11:1,840,682, plus strand): 5'-CGCTGCATATCCCGGGCTCCATGTCTGAAGTGCAGGTACCAGCCCCTCCCCGGCCACCCC[G>A]CCTCCCCAGCAGCAGGCCTGCCTGCTAACTCAGTTTCCCCACTTGTCAAGAGGGCCAGTG-3'